The following is an entry in ClinVar:

ClinVar aggregate classification (germline): Uncertain significance (1 of 4 stars; one submission).

Conditions:
Congenital disorder of deglycosylation (CDDG). Identifiers: MedGen C3808991, MONDO:0031376.

Allele frequency attached by ClinVar (database versions not stated): ExAC 0.00001; gnomAD 0.00001 and 0.00002; gnomAD exomes 0.00001; TOPMed 0.00001.
gnomAD v4.1: 9 of 1,613,484 alleles (0.00056%); highest among the groups gnomAD compares: Admixed American, 0.0033%; no homozygotes.

Submission:

Labcorp Genetics (formerly Invitae), Labcorp
Classification: Uncertain significance for Congenital disorder of deglycosylation. Last evaluated: 2022-09-07. Review status: criteria provided, single submitter. Criteria: Invitae Variant Classification Sherloc (09022015). Collection method: clinical testing. Allele origin: germline.
Comment: This sequence change replaces alanine, which is neutral and non-polar, with valine, which is neutral and non-polar, at codon 194 of the NGLY1 protein (p.Ala194Val). This variant is present in population databases (rs750077439, gnomAD 0.007%). This variant has not been reported in the literature in individuals affected with NGLY1-related conditions. ClinVar contains an entry for this variant (Variation ID: 941686). Algorithms developed to predict the effect of missense changes on protein structure and function output the following: SIFT: "Tolerated"; PolyPhen-2: "Possibly Damaging"; Align-GVGD: "Class C0". The valine amino acid residue is found in multiple mammalian species, which suggests that this missense change does not adversely affect protein function. In summary, the available evidence is currently insufficient to determine the role of this variant in disease. Therefore, it has been classified as a Variant of Uncertain Significance.

NM_018297.4(NGLY1):c.581C>T (p.Ala194Val)

Gene: NGLY1 (N-glycanase 1; minus strand). Cytogenetic location: 3p24.2.
Variant type: single nucleotide variant.
Coding change: c.581C>T on transcript NM_018297.4 (MANE Select); coding-DNA position 581, C replaced by T.
Protein change: p.Ala194Val; replaces alanine 194 with valine.
Molecular consequence: missense variant.
Genome position (GRCh38, 1-based): chr3:25,751,175, G>A on the plus strand (C>T on the coding strand, the complement: NGLY1 is on the minus strand). VCF-style: chr3-25751175-G-A. GRCh37 (hg19) VCF-style: chr3-25792666-G-A.
Other names: c.581C>T, p.Ala194Val (NM_001145293.2, NM_001145295.2); c.455C>T, p.Ala152Val (NM_001145294.2); short protein forms A152V, A194V.
Identifiers: ClinVar variation 941686 (VCV000941686.4), dbSNP rs750077439, ClinGen allele CA2289444.